The following is an entry in ClinVar:

ClinVar aggregate classification (germline): Likely benign. Review status: criteria provided, multiple submitters, no conflicts (2 of 4 stars). 4 submissions from 4 submitters: Likely benign (4). Last evaluated 2024-09-03.

Conditions:
Hereditary breast ovarian cancer syndrome. Also called: Hereditary breast and ovarian cancer syndrome; Hereditary breast and ovarian cancer syndrome (HBOC); Hereditary breast and ovarian cancer; Hereditary breast and/or ovarian cancer syndrome; Breast and ovarian cancer; BRCA1- and BRCA2-Associated Hereditary Breast and Ovarian Cancer. Identifiers: Orphanet 145, MedGen C0677776, MeSH D061325, MONDO:0003582. Disease mechanism: loss of function.
Hereditary cancer-predisposing syndrome. Also called: Neoplastic Syndromes, Hereditary; Hereditary Cancer Syndrome; Tumor predisposition; Hereditary neoplastic syndrome. Identifiers: Orphanet 140162, MedGen C0027672, MeSH D009386, MONDO:0015356.

Submissions (4):

Labcorp Genetics (formerly Invitae), Labcorp
Classification: Likely benign for Hereditary breast ovarian cancer syndrome. Last evaluated: 2024-09-03. Review status: criteria provided, single submitter. Criteria: Invitae Variant Classification Sherloc (09022015). Collection method: clinical testing. Allele origin: germline.

Ambry Genetics
Classification: Likely benign for Hereditary cancer-predisposing syndrome. Last evaluated: 2024-02-20. Review status: criteria provided, single submitter. Criteria: Ambry Variant Classification Scheme 2023. Collection method: clinical testing. Allele origin: germline.

CeGaT Center for Human Genetics Tuebingen
Classification: Likely benign. Last evaluated: 2023-11-01. Review status: criteria provided, single submitter. Criteria: CeGaT Center For Human Genetics Tuebingen Variant Classification Criteria Version 2. Collection method: clinical testing. Allele origin: germline. Affected: yes. Observed: 1 variant allele.
Comment: BRCA2: PM2:Supporting, BP4, BP7

Women's Health and Genetics/Laboratory Corporation of America, LabCorp
Classification: Likely benign. Last evaluated: 2019-08-21. Review status: criteria provided, single submitter. Criteria: LabCorp Variant Classification Summary - May 2015. Collection method: clinical testing. Allele origin: germline.

NM_000059.4(BRCA2):c.5559T>C (p.Cys1853=)

Gene: BRCA2 (BRCA2 DNA repair associated; plus strand). Cytogenetic location: 13q13.1.
Variant type: single nucleotide variant.
Coding change: c.5559T>C on transcript NM_000059.4 (MANE Select); coding-DNA position 5559, T replaced by C.
Protein change: p.Cys1853=; no amino-acid change (cysteine 1853 retained).
Molecular consequence: synonymous variant.
Genome position (GRCh38, 1-based): chr13:32,339,914, T>C. VCF-style: chr13-32339914-T-C. GRCh37 (hg19) VCF-style: chr13-32914051-T-C.
Identifiers: ClinVar variation 633117 (VCV000633117.28), dbSNP rs1566232673, ClinGen allele CA483438660.